The following is an entry in ClinVar:

ClinVar aggregate classification (germline): Pathogenic (1 of 4 stars; one submission).

Submission:

Labcorp Genetics (formerly Invitae), Labcorp
Classification: Pathogenic. Last evaluated: 2025-03-13. Review status: criteria provided, single submitter. Criteria: Invitae Variant Classification Sherloc (09022015). Collection method: clinical testing. Allele origin: germline.
Comment: This sequence change creates a premature translational stop signal (p.Ser28Glnfs*133) in the RUNX2 gene. It is expected to result in an absent or disrupted protein product. Loss-of-function variants in RUNX2 are known to be pathogenic (PMID: 10521292, 11857736). This variant is not present in population databases (gnomAD no frequency). This variant has not been reported in the literature in individuals affected with RUNX2-related conditions. For these reasons, this variant has been classified as Pathogenic.

Literature cited by the submitters: PubMed 10521292; PubMed 11857736.

NM_001024630.4(RUNX2):c.80dup (p.Ser28fs)

Gene: RUNX2 (RUNX family transcription factor 2; plus strand). Cytogenetic location: 6p21.1.
Variant type: Duplication.
Coding change: c.80dup on transcript NM_001024630.4 (MANE Select); coding-DNA position 80, one base duplicated (T; older notation c.80dupT).
Protein change: p.Ser28fs; shifts the reading frame from serine 28.
Molecular consequence: frameshift variant.
Genome position (GRCh38, 1-based): chr6:45,422,614, T duplicated; the last of 2 consecutive T bases (chr6:45,422,613-45,422,614); duplicating either gives the same sequence. VCF-style (leftmost placement, unchanged base first): chr6-45422612-C-CT. GRCh37 (hg19) VCF-style: chr6-45390349-C-CT.
Other names: c.80dup, p.Ser28fs (NM_001015051.4); c.38dup, p.Ser14fs (NM_001278478.2, NM_001369405.1); short protein forms S14fs, S28fs.
Identifiers: ClinVar variation 4712504 (VCV004712504.1).